The following is an entry in ClinVar:

NM_000169.3(GLA):c.260A>T (p.Glu87Val)

Genes: GLA (galactosidase alpha; minus strand), RPL36A-HNRNPH2 (RPL36A-HNRNPH2 readthrough; plus strand). Cytogenetic location: Xq22.1.
Variant type: single nucleotide variant.
Coding change: c.260A>T on transcript NM_000169.3 (MANE Select); coding-DNA position 260, A replaced by T.
Protein change: p.Glu87Val; replaces glutamic acid 87 with valine.
Molecular consequence: missense variant. On other transcripts: non-coding transcript variant (3), intron variant (2).
Genome position (GRCh38, 1-based): chrX:101,403,920, T>A on the plus strand (A>T on the coding strand, the complement: GLA is on the minus strand). VCF-style: chrX-101403920-T-A. GRCh37 (hg19) VCF-style: chrX-100658908-T-A.
Other names: c.383A>T, p.Glu128Val (NM_001406747.1, NM_001406749.1); c.260A>T, p.Glu87Val (NM_001406748.1); c.301-8016T>A (NM_001199973.2); c.178-8016T>A (NM_001199974.2); short protein forms E128V, E87V.
Identifiers: ClinVar variation 3074035 (VCV003074035.3), dbSNP rs1182870909, ClinGen allele CA413933833.

ClinVar aggregate classification (germline): Uncertain significance. Review status: criteria provided, multiple submitters, no conflicts (2 of 4 stars). 2 submissions from 2 submitters: Uncertain significance (2). Last evaluated 2024-04-01.

Conditions:
Fabry disease. Also called: Fabry's disease; ALPHA-GALACTOSIDASE A DEFICIENCY; ANDERSON-FABRY DISEASE; CERAMIDE TRIHEXOSIDASE DEFICIENCY; GLA DEFICIENCY; HEREDITARY DYSTOPIC LIPIDOSIS. Identifiers: Orphanet 324, MedGen C0002986, MONDO:0010526, OMIM 301500, HP:0001071. Disease mechanism: Fabry disease is due to inactivating mutations in the X-linked GLA gene resulting in deficiency of the enzyme Alpha Galactosidase-A., loss of function.

Submissions (2):

Labcorp Genetics (formerly Invitae), Labcorp
Classification: Uncertain significance for Fabry disease. Last evaluated: 2024-04-01. Review status: criteria provided, single submitter. Criteria: Invitae Variant Classification Sherloc (09022015). Collection method: clinical testing. Allele origin: germline.
Comment: This sequence change replaces glutamic acid, which is acidic and polar, with valine, which is neutral and non-polar, at codon 87 of the GLA protein (p.Glu87Val). This variant is not present in population databases (gnomAD no frequency). This variant has not been reported in the literature in individuals affected with GLA-related conditions. Advanced modeling of protein sequence and biophysical properties (such as structural, functional, and spatial information, amino acid conservation, physicochemical variation, residue mobility, and thermodynamic stability) performed at Invitae indicates that this missense variant is not expected to disrupt GLA protein function with a negative predictive value of 80%. In summary, the available evidence is currently insufficient to determine the role of this variant in disease. Therefore, it has been classified as a Variant of Uncertain Significance.

All of Us Research Program, National Institutes of Health
Classification: Uncertain significance for Fabry disease. Last evaluated: 2023-12-01. Review status: criteria provided, single submitter. Criteria: ACMG Guidelines, 2015. Collection method: clinical testing. Allele origin: germline. Inheritance: X-linked inheritance. Observed: 1 variant allele, 1 heterozygote.
Comment: This study involves interpretation of variants in research participants for the purpose of population health screening. Participant phenotype was not available at the time of variant classification. Additional details can be found in publication PMID: 35346344, PMCID: PMC8962531